The following is an entry in ClinVar:

ClinVar aggregate classification (germline): Uncertain significance (1 of 4 stars; one submission).

Conditions:
Hereditary pheochromocytoma and paraganglioma. Also called: Hereditary paragangliomas and pheochromocytomas; Hereditary Paraganglioma-Pheochromocytoma Syndromes; Hereditary pheochromocytoma-paraganglioma. Identifiers: Orphanet 29072, MedGen C4274332, MONDO:0017366.

gnomAD v4.1: 1 of 1,614,206 alleles (0.000062%); highest among the groups gnomAD compares: Non-Finnish European, 0.000085%; no homozygotes.

Submission:

Labcorp Genetics (formerly Invitae), Labcorp
Classification: Uncertain significance for Hereditary pheochromocytoma and paraganglioma. Last evaluated: 2022-03-23. Review status: criteria provided, single submitter. Criteria: Invitae Variant Classification Sherloc (09022015). Collection method: clinical testing. Allele origin: germline.
Comment: This missense change has been observed in individual(s) with pheochromocytoma (PMID: 22452945). In summary, the available evidence is currently insufficient to determine the role of this variant in disease. Therefore, it has been classified as a Variant of Uncertain Significance. Experimental studies have shown that this missense change affects MAX function (PMID: 26070438). Algorithms developed to predict the effect of missense changes on protein structure and function (SIFT, PolyPhen-2, Align-GVGD) all suggest that this variant is likely to be disruptive. This variant is not present in population databases (gnomAD no frequency). This sequence change replaces arginine, which is basic and polar, with proline, which is neutral and non-polar, at codon 90 of the MAX protein (p.Arg90Pro).

Literature cited by the submitters: PubMed 22452945; PubMed 26070438.

NM_002382.5(MAX):c.269G>C (p.Arg90Pro)

Gene: MAX (MYC associated transcriptional regulator X; minus strand). Cytogenetic location: 14q23.3.
Variant type: single nucleotide variant.
Coding change: c.269G>C on transcript NM_002382.5 (MANE Select); coding-DNA position 269, G replaced by C.
Protein change: p.Arg90Pro; replaces arginine 90 with proline.
Molecular consequence: missense variant. On other transcripts: 5 prime UTR variant (1), intron variant (2).
Genome position (GRCh38, 1-based): chr14:65,077,939, C>G on the plus strand (G>C on the coding strand, the complement: MAX is on the minus strand). VCF-style: chr14-65077939-C-G. GRCh37 (hg19) VCF-style: chr14-65544657-C-G.
Other names: c.-6G>C (NM_001320415.2, NM_001407105.1, NM_001407106.1 and 1 more transcripts); c.269G>C, p.Arg90Pro (NM_001407094.1, NM_001407096.1, NM_001407097.1 and 3 more transcripts); c.242G>C, p.Arg81Pro (NM_001407095.1, NM_001407099.1, NM_001407100.1 and 6 more transcripts); c.161G>C, p.Arg54Pro (NM_001407098.1); c.-99G>C (NM_001407111.1, NM_001407112.1); c.144+15769G>C (NM_001271069.2); c.171+15769G>C (NM_197957.4); short protein forms R54P, R81P, R90P.
Identifiers: ClinVar variation 2115912 (VCV002115912.4), dbSNP rs876659562, ClinGen allele CA390035505.